The following is an entry in ClinVar:

ClinVar aggregate classification (germline): Pathogenic (1 of 4 stars; one submission).

Conditions:
Hereditary breast ovarian cancer syndrome. Also called: Hereditary breast and ovarian cancer syndrome; Hereditary breast and ovarian cancer syndrome (HBOC); Breast and ovarian cancer; BRCA1- and BRCA2-Associated Hereditary Breast and Ovarian Cancer; Hereditary breast and/or ovarian cancer syndrome; Hereditary breast and ovarian cancer. Identifiers: Orphanet 145, MedGen C0677776, MeSH D061325, MONDO:0003582. Disease mechanism: loss of function.

Submission:

Labcorp Genetics (formerly Invitae), Labcorp
Classification: Pathogenic for Hereditary breast ovarian cancer syndrome. Last evaluated: 2025-05-13. Review status: criteria provided, single submitter. Criteria: Invitae Variant Classification Sherloc (09022015). Collection method: clinical testing. Allele origin: germline.
Comment: This sequence change creates a premature translational stop signal (p.Pro1171Hisfs*6) in the BRCA2 gene. It is expected to result in an absent or disrupted protein product. Loss-of-function variants in BRCA2 are known to be pathogenic (PMID: 20104584). This variant is not present in population databases (gnomAD no frequency). This variant has not been reported in the literature in individuals affected with BRCA2-related conditions. For these reasons, this variant has been classified as Pathogenic.

Literature cited by the submitters: PubMed 20104584.

NM_000059.4(BRCA2):c.3512del (p.Pro1171fs)

Gene: BRCA2 (BRCA2 DNA repair associated; plus strand). Cytogenetic location: 13q13.1.
Variant type: Deletion.
Coding change: c.3512del on transcript NM_000059.4 (MANE Select); coding-DNA position 3512, one base deleted (C; older notation c.3512delC).
Protein change: p.Pro1171fs; shifts the reading frame from proline 1171.
Molecular consequence: frameshift variant. On other transcripts: non-coding transcript variant (1), intron variant (2).
Genome position (GRCh38, 1-based): chr13:32,337,867, C deleted; the last of 4 consecutive C bases (chr13:32,337,864-32,337,867); deleting any one gives the same sequence. VCF-style (leftmost placement, unchanged base first): chr13-32337863-GC-G. GRCh37 (hg19) VCF-style: chr13-32912000-GC-G.
Other names: c.3512del, p.Pro1171fs (NM_001406719.1, NM_001406720.1, NM_001432077.1); c.1909+4480del (NM_001406721.1); c.425-6691del (NM_001406722.1); short protein forms P1171fs.
Identifiers: ClinVar variation 4719450 (VCV004719450.1).